The following is an entry in ClinVar:

NM_001103.4(ACTN2):c.1761G>A (p.Gln587=)

Gene: ACTN2 (actinin alpha 2; plus strand). Cytogenetic location: 1q43.
Variant type: single nucleotide variant.
Coding change: c.1761G>A on transcript NM_001103.4 (MANE Select); coding-DNA position 1761, G replaced by A.
Protein change: p.Gln587=; no amino-acid change (glutamine 587 retained).
Molecular consequence: synonymous variant.
Genome position (GRCh38, 1-based): chr1:236,751,574, G>A. VCF-style: chr1-236751574-G-A. GRCh37 (hg19) VCF-style: chr1-236914874-G-A.
Other names: c.1761G>A, p.Gln587= (NM_001278343.2); c.1137G>A, p.Gln379= (NM_001278344.2).
Identifiers: ClinVar variation 517792 (VCV000517792.6), dbSNP rs770066690, ClinGen allele CA1473245.

ClinVar aggregate classification (germline): Likely benign. Review status: criteria provided, multiple submitters, no conflicts (2 of 4 stars). 2 submissions from 2 submitters: Likely benign (2). Last evaluated 2023-11-21.

Conditions:
Dilated cardiomyopathy 1AA (CMD1AA). Also called: CARDIOMYOPATHY, DILATED, 1AA, WITH OR WITHOUT LEFT VENTRICULAR NONCOMPACTION; CARDIOMYOPATHY, FAMILIAL HYPERTROPHIC, 23, WITH OR WITHOUT LEFT VENTRICULAR NONCOMPACTION; Cardiomyopathy, dilated, 1AA, with or without LVNC. Identifiers: Orphanet 154, MedGen C2677338, MONDO:0012808, OMIM 612158.
Primary familial hypertrophic cardiomyopathy (HCM). Identifiers: Orphanet 99739, MedGen C0949658, MeSH D024741, MONDO:0024573. Inheritance: Various modes of inheritance.

Allele frequency attached by ClinVar (database versions not stated): gnomAD exomes below 0.00001; TOPMed below 0.00001; ExAC 0.00001.
gnomAD v4.1: 5 of 1,614,060 alleles (0.00031%); highest among the groups gnomAD compares: South Asian, 0.0055%; no homozygotes.

Submissions (2):

Labcorp Genetics (formerly Invitae), Labcorp
Classification: Likely benign for Primary familial hypertrophic cardiomyopathy; Dilated cardiomyopathy 1AA. Last evaluated: 2023-11-21. Review status: criteria provided, single submitter. Criteria: Invitae Variant Classification Sherloc (09022015). Collection method: clinical testing. Allele origin: germline.

GeneDx
Classification: Likely benign. Last evaluated: 2017-03-14. Review status: criteria provided, single submitter. Criteria: GeneDx Variant Classification (06012015). Collection method: clinical testing. Allele origin: germline. Affected: yes.
Comment: This variant is considered likely benign or benign based on one or more of the following criteria: it is a conservative change, it occurs at a poorly conserved position in the protein, it is predicted to be benign by multiple in silico algorithms, and/or has population frequency not consistent with disease.